The following is an entry in ClinVar:

ClinVar aggregate classification (germline): Uncertain significance (1 of 4 stars; one submission).

Allele frequency attached by ClinVar (database versions not stated): gnomAD exomes below 0.00001.

Submission:

Labcorp Genetics (formerly Invitae), Labcorp
Classification: Uncertain significance. Last evaluated: 2022-08-16. Review status: criteria provided, single submitter. Criteria: Invitae Variant Classification Sherloc (09022015). Collection method: clinical testing. Allele origin: germline.
Comment: In summary, the available evidence is currently insufficient to determine the role of this variant in disease. Therefore, it has been classified as a Variant of Uncertain Significance. ClinVar contains an entry for this variant (Variation ID: 1019722). This sequence change creates a premature translational stop signal (p.Gln262*) in the ROM1 gene. It is expected to result in an absent or disrupted protein product. However, the current clinical and genetic evidence is not sufficient to establish whether loss-of-function variants in ROM1 cause disease. This variant is not present in population databases (gnomAD no frequency). This variant has not been reported in the literature in individuals affected with ROM1-related conditions.

NM_000327.4(ROM1):c.784C>T (p.Gln262Ter)

Gene: ROM1 (retinal outer segment membrane protein 1; plus strand). Cytogenetic location: 11q12.3.
Variant type: single nucleotide variant.
Coding change: c.784C>T on transcript NM_000327.4 (MANE Select); coding-DNA position 784, C replaced by T.
Protein change: p.Gln262Ter; replaces glutamine 262 with a stop codon.
Molecular consequence: nonsense.
Genome position (GRCh38, 1-based): chr11:62,614,451, C>T. VCF-style: chr11-62614451-C-T. GRCh37 (hg19) VCF-style: chr11-62381923-C-T.
Other names: short protein forms Q262*.
Identifiers: ClinVar variation 1019722 (VCV001019722.6), dbSNP rs1942979092, ClinGen allele CA380972637.